The following is an entry in ClinVar:

ClinVar aggregate classification (germline): Uncertain significance (1 of 4 stars; one submission).

Conditions:
Hereditary cancer-predisposing syndrome. Also called: Neoplastic Syndromes, Hereditary; Tumor predisposition; Hereditary Cancer Syndrome; Hereditary neoplastic syndrome. Identifiers: Orphanet 140162, MedGen C0027672, MeSH D009386, MONDO:0015356.

Submission:

Ambry Genetics
Classification: Uncertain significance for Hereditary cancer-predisposing syndrome. Last evaluated: 2025-02-27. Review status: criteria provided, single submitter. Criteria: Ambry Variant Classification Scheme 2023. Collection method: clinical testing. Allele origin: germline.
Comment: The p.E301K variant (also known as c.901G>A), located in coding exon 4 of the BARD1 gene, results from a G to A substitution at nucleotide position 901. The glutamic acid at codon 301 is replaced by lysine, an amino acid with similar properties. This amino acid position is conserved. In addition, this alteration is predicted to be tolerated by in silico analysis. Since supporting evidence is limited at this time, the clinical significance of this alteration remains unclear.

NM_000465.4(BARD1):c.901G>A (p.Glu301Lys)

Gene: BARD1 (BRCA1 associated RING domain 1; minus strand). Cytogenetic location: 2q35.
Variant type: single nucleotide variant.
Coding change: c.901G>A on transcript NM_000465.4 (MANE Select); coding-DNA position 901, G replaced by A.
Protein change: p.Glu301Lys; replaces glutamic acid 301 with lysine.
Molecular consequence: missense variant. On other transcripts: non-coding transcript variant (2), intron variant (3).
Genome position (GRCh38, 1-based): chr2:214,780,973, C>T on the plus strand (G>A on the coding strand, the complement: BARD1 is on the minus strand). VCF-style: chr2-214780973-C-T. GRCh37 (hg19) VCF-style: chr2-215645697-C-T.
Other names: c.844G>A, p.Glu282Lys (NM_001282543.2); c.159-28418G>A (NM_001282548.2); c.215+16088G>A (NM_001282545.2); c.364+11324G>A (NM_001282549.2); short protein forms E301K, E282K.
Identifiers: ClinVar variation 1765502 (VCV001765502.3), dbSNP rs2106109874, ClinGen allele CA350455121.